The following is an entry in ClinVar:

NM_001042492.3(NF1):c.6912del (p.Asn2306fs)

Gene: NF1 (neurofibromin 1; plus strand). Cytogenetic location: 17q11.2.
Variant type: Deletion.
Coding change: c.6912del on transcript NM_001042492.3 (MANE Select); coding-DNA position 6912, one base deleted (T; older notation c.6912delT).
Protein change: p.Asn2306fs; shifts the reading frame from asparagine 2306.
Molecular consequence: frameshift variant.
Genome position (GRCh38, 1-based): chr17:31,338,796, T deleted; the last of 2 consecutive T bases (chr17:31,338,795-31,338,796); deleting either gives the same sequence. VCF-style (leftmost placement, unchanged base first): chr17-31338794-CT-C. GRCh37 (hg19) VCF-style: chr17-29665812-CT-C.
Other names: c.6849delT, p.Asn2285Ilefs (NM_000267.4); short protein forms N2285fs, N2306fs.
Identifiers: ClinVar variation 1709181 (VCV001709181.2), dbSNP rs2508763208, ClinGen allele CA2580093172.

ClinVar aggregate classification (germline): Pathogenic (1 of 4 stars; one submission).

Conditions:
Neurofibromatosis, type 1 (NF1). Also called: Peripheral type neurofibromatosis; VON RECKLINGHAUSEN DISEASE; NEUROFIBROMATOSIS, TYPE I, SOMATIC; Neurofibromatosis, type I. Identifiers: Orphanet 636, MedGen C0027831, MONDO:0018975, OMIM 162200. Disease mechanism: loss of function.

Submission:

MGZ Medical Genetics Center
Classification: Pathogenic for Neurofibromatosis, type 1. Last evaluated: 2022-02-09. Review status: criteria provided, single submitter. Criteria: ACMG Guidelines, 2015. Collection method: clinical testing. Allele origin: germline. Affected: yes. Observed: 1 variant allele.
Comment: ACMG criteria applied: PVS1, PM2_SUP, PP4